The following is an entry in ClinVar:

NM_021999.5(ITM2B):c.490_491dup (p.Tyr165fs)

Gene: ITM2B (integral membrane protein 2B; plus strand). Cytogenetic location: 13q14.2.
Variant type: Duplication.
Coding change: c.490_491dup on transcript NM_021999.5 (MANE Select); coding-DNA positions 490 to 491, 2 bases duplicated (TG; older notation c.490_491dupTG).
Protein change: p.Tyr165fs; shifts the reading frame from tyrosine 165.
Molecular consequence: frameshift variant.
Genome position (GRCh38, 1-based): chr13:48,258,162-48,258,163, TG duplicated; duplicating any 2 consecutive bases within chr13:48,258,161-48,258,163 gives the same sequence; the c. name uses the placement nearest the transcript's 3' end. VCF-style (leftmost placement, unchanged base first): chr13-48258160-A-AGT. GRCh37 (hg19) VCF-style: chr13-48832296-A-AGT.
Other names: short protein forms Y165fs.
Identifiers: ClinVar variation 3647618 (VCV003647618.2).

ClinVar aggregate classification (germline): Uncertain significance (1 of 4 stars; one submission).

Submission:

Labcorp Genetics (formerly Invitae), Labcorp
Classification: Uncertain significance. Last evaluated: 2024-04-01. Review status: criteria provided, single submitter. Criteria: Invitae Variant Classification Sherloc (09022015). Collection method: clinical testing. Allele origin: germline.
Comment: This sequence change creates a premature translational stop signal (p.Tyr165Alafs*3) in the ITM2B gene. It is expected to result in an absent or disrupted protein product. However, the current clinical and genetic evidence is not sufficient to establish whether loss-of-function variants in ITM2B cause disease. This variant is not present in population databases (gnomAD no frequency). This variant has not been reported in the literature in individuals affected with ITM2B-related conditions. Algorithms developed to predict the effect of sequence changes on RNA splicing suggest that this variant may disrupt the consensus splice site. In summary, the available evidence is currently insufficient to determine the role of this variant in disease. Therefore, it has been classified as a Variant of Uncertain Significance.